The following is an entry in ClinVar:

NM_012301.4(MAGI2):c.2425G>T (p.Ala809Ser)

Gene: MAGI2 (membrane associated guanylate kinase, WW and PDZ domain containing 2; minus strand). Cytogenetic location: 7q21.11.
Variant type: single nucleotide variant.
Coding change: c.2425G>T on transcript NM_012301.4 (MANE Select); coding-DNA position 2425, G replaced by T.
Protein change: p.Ala809Ser; replaces alanine 809 with serine.
Molecular consequence: missense variant.
Genome position (GRCh38, 1-based): chr7:78,168,087, C>A on the plus strand (G>T on the coding strand, the complement: MAGI2 is on the minus strand). VCF-style: chr7-78168087-C-A. GRCh37 (hg19) VCF-style: chr7-77797404-C-A.
Other names: c.2383G>T, p.Ala795Ser (NM_001301128.2); short protein forms A795S, A809S.
Identifiers: ClinVar variation 2081346 (VCV002081346.4), dbSNP rs748459288, ClinGen allele CA4313763.
Genomic context (GRCh38, chr7:78,168,087, plus strand): 5'-CAACATACACAAGCTCATCTCCTGGGTGAAGGCGGCCATCTCTGTCGGCTGAGCCCATGG[C>A]AATGACAGCTCCAATCAAAATCTAGAGAAGCAGTGAGAAGGAAAGGACATTCACATTTCA-3'
Protein context (NP_036433.2, residues 799-819): GQPILIGAVI[Ala809Ser]MGSADRDGRL

ClinVar aggregate classification (germline): Uncertain significance. Review status: criteria provided, multiple submitters, no conflicts (2 of 4 stars). 2 submissions from 2 submitters: Uncertain significance (2). Last evaluated 2024-07-17.

Allele frequency attached by ClinVar (database versions not stated): ExAC 0.00001; gnomAD 0.00001; TOPMed 0.00002.
gnomAD v4.1: 5 of 1,613,846 alleles (0.00031%); highest among the groups gnomAD compares: Admixed American, 0.005%; no homozygotes.

Submissions (2):

Labcorp Genetics (formerly Invitae), Labcorp
Classification: Uncertain significance. Last evaluated: 2024-07-17. Review status: criteria provided, single submitter. Criteria: Invitae Variant Classification Sherloc (09022015). Collection method: clinical testing. Allele origin: germline.
Comment: This sequence change replaces alanine, which is neutral and non-polar, with serine, which is neutral and polar, at codon 809 of the MAGI2 protein (p.Ala809Ser). This variant is present in population databases (rs748459288, gnomAD 0.009%). This variant has not been reported in the literature in individuals affected with MAGI2-related conditions. ClinVar contains an entry for this variant (Variation ID: 2081346). An algorithm developed to predict the effect of missense changes on protein structure and function (PolyPhen-2) suggests that this variant is likely to be tolerated. In summary, the available evidence is currently insufficient to determine the role of this variant in disease. Therefore, it has been classified as a Variant of Uncertain Significance.

Ambry Genetics
Classification: Uncertain significance. Last evaluated: 2022-12-27. Review status: criteria provided, single submitter. Criteria: Ambry Variant Classification Scheme 2023. Collection method: clinical testing. Allele origin: germline.